The following is an entry in ClinVar:

ClinVar aggregate classification (germline): Uncertain significance (1 of 4 stars; one submission).

Conditions:
Hereditary motor and sensory neuropathy, Okinawa type (HMSNO). Also called: HEREDITARY MOTOR AND SENSORY NEUROPATHY, PROXIMAL TYPE. Identifiers: Orphanet 90117, MedGen C1858338, MONDO:0011468, OMIM 604484.
Hereditary spastic paraplegia 57. Also called: Spastic paraplegia 57, autosomal recessive. Identifiers: Orphanet 431329, MedGen C3714897, MONDO:0014295, OMIM 615658.

Allele frequency attached by ClinVar (database versions not stated): gnomAD exomes below 0.00001.
gnomAD v4.1: 6 of 1,614,134 alleles (0.00037%); highest among the groups gnomAD compares: Non-Finnish European, 0.00051%; no homozygotes.

Submission:

Labcorp Genetics (formerly Invitae), Labcorp
Classification: Uncertain significance for Hereditary motor and sensory neuropathy, Okinawa type; Hereditary spastic paraplegia 57. Last evaluated: 2018-08-21. Review status: criteria provided, single submitter. Criteria: Invitae Variant Classification Sherloc (09022015). Collection method: clinical testing. Allele origin: germline.
Comment: This sequence change replaces proline with serine at codon 300 of the TFG protein (p.Pro300Ser). The proline residue is highly conserved and there is a moderate physicochemical difference between proline and serine. This variant is not present in population databases (ExAC no frequency). This variant has not been reported in the literature in individuals with TFG-related disease. Algorithms developed to predict the effect of missense changes on protein structure and function are either unavailable or do not agree on the potential impact of this missense change (SIFT: "Tolerated"; PolyPhen-2: "Possibly Damaging"; Align-GVGD: "Class C25"). In summary, the available evidence is currently insufficient to determine the role of this variant in disease. Therefore, it has been classified as a Variant of Uncertain Significance.

NM_006070.6(TFG):c.898C>T (p.Pro300Ser)

Gene: TFG (trafficking from ER to golgi regulator; plus strand). Cytogenetic location: 3q12.2.
Variant type: single nucleotide variant.
Coding change: c.898C>T on transcript NM_006070.6 (MANE Select); coding-DNA position 898, C replaced by T.
Protein change: p.Pro300Ser; replaces proline 300 with serine.
Molecular consequence: missense variant.
Genome position (GRCh38, 1-based): chr3:100,748,226, C>T. VCF-style: chr3-100748226-C-T. GRCh37 (hg19) VCF-style: chr3-100467070-C-T.
Other names: c.898C>T, p.Pro300Ser (NM_001007565.2, NM_001195478.2); c.886C>T, p.Pro296Ser (NM_001195479.2); short protein forms P296S, P300S.
Identifiers: ClinVar variation 643529 (VCV000643529.8), dbSNP rs1210008384, ClinGen allele CA353853185.
Genomic context (GRCh38, chr3:100,748,226, plus strand): 5'-ACTGGACCTCAACAACCTCAGCAGTTCCAGGGATATGGCCAGCAACCAACTTCCCAGGCA[C>T]CAGCTCCTGCCTTTTCTGGTCAGCCTCAACAACTGCCTGCTCAGCCGCCACAGCAGTACC-3'
Protein context (NP_006061.2, residues 290-310): GYGQQPTSQA[Pro300Ser]APAFSGQPQQ